The following is an entry in ClinVar:

NM_031935.3(HMCN1):c.12953T>G (p.Val4318Gly)

Gene: HMCN1 (hemicentin 1; plus strand). Cytogenetic location: 1q31.1.
Variant type: single nucleotide variant.
Coding change: c.12953T>G on transcript NM_031935.3 (MANE Select); coding-DNA position 12953, T replaced by G.
Protein change: p.Val4318Gly; replaces valine 4318 with glycine.
Molecular consequence: missense variant.
Genome position (GRCh38, 1-based): chr1:186,130,014, T>G. VCF-style: chr1-186130014-T-G. GRCh37 (hg19) VCF-style: chr1-186099146-T-G.
Other names: short protein forms V4318G.
Identifiers: ClinVar variation 2075237 (VCV002075237.4), dbSNP rs772168298, ClinGen allele CA1294507.

ClinVar aggregate classification (germline): Uncertain significance (1 of 4 stars; one submission).

Allele frequency attached by ClinVar (database versions not stated): gnomAD 0.00002; TOPMed 0.00002; gnomAD exomes 0.00006.
gnomAD v4.1: 90 of 1,613,104 alleles (0.0056%); highest among the groups gnomAD compares: Non-Finnish European, 0.0075%; no homozygotes.

Submission:

Labcorp Genetics (formerly Invitae), Labcorp
Classification: Uncertain significance. Last evaluated: 2022-07-14. Review status: criteria provided, single submitter. Criteria: Invitae Variant Classification Sherloc (09022015). Collection method: clinical testing. Allele origin: germline.
Comment: This variant has not been reported in the literature in individuals affected with HMCN1-related conditions. This variant is present in population databases (rs772168298, gnomAD 0.007%). This sequence change replaces valine, which is neutral and non-polar, with glycine, which is neutral and non-polar, at codon 4318 of the HMCN1 protein (p.Val4318Gly). Algorithms developed to predict the effect of missense changes on protein structure and function (SIFT, PolyPhen-2, Align-GVGD) all suggest that this variant is likely to be disruptive. In summary, the available evidence is currently insufficient to determine the role of this variant in disease. Therefore, it has been classified as a Variant of Uncertain Significance.